The following is an entry in ClinVar:

NM_013275.6(ANKRD11):c.1418G>C (p.Ser473Thr)

Gene: ANKRD11 (ankyrin repeat domain 11; minus strand). Cytogenetic location: 16q24.3.
Variant type: single nucleotide variant.
Coding change: c.1418G>C on transcript NM_013275.6 (MANE Select); coding-DNA position 1418, G replaced by C.
Protein change: p.Ser473Thr; replaces serine 473 with threonine.
Molecular consequence: missense variant.
Genome position (GRCh38, 1-based): chr16:89,285,124, C>G on the plus strand (G>C on the coding strand, the complement: ANKRD11 is on the minus strand). VCF-style: chr16-89285124-C-G. GRCh37 (hg19) VCF-style: chr16-89351532-C-G.
Other names: c.1418G>C, p.Ser473Thr (NM_001256182.2, NM_001256183.2); short protein forms S473T.
Identifiers: ClinVar variation 4883175 (VCV004883175.2).

ClinVar aggregate classification (germline): Uncertain significance (1 of 4 stars; one submission).

Submission:

Dasa
Classification: Uncertain significance. Last evaluated: 2024-11-25. Review status: criteria provided, single submitter. Criteria: DASA Assertion Criteria. Collection method: clinical testing. Allele origin: germline.
Comment: NM_013275.6(ANKRD11):c.1418G>C (p.Ser473Thr) is a missense variant that results in the substitution of serine with threonine. This variant is absent from population databases. Computational prediction algorithms are consistent with a benign effect. The currently available literature and clinical evidence are not sufficient to establish a definitive association between this variant and the reported condition. Therefore, this variant is classified as a variant of uncertain significance.